The following is an entry in ClinVar:

ClinVar aggregate classification (germline): Likely pathogenic. Review status: no assertion criteria provided (0 of 4 stars). 2 submissions from 2 submitters: Likely pathogenic (1). 1 of the submissions does not count toward it.

Conditions:
Developmental and epileptic encephalopathy, 7 (DEE7). Also called: KCNQ2-Related Neonatal Epileptic Encephalopathy; Early infantile epileptic encephalopathy 7; KCNQ2-Related Neonatal-Onset Developmental and Epileptic Encephalopathy (NEO-DEE). Identifiers: Orphanet 439218, MedGen C3150986, MONDO:0013387, OMIM 613720.
Seizure. Also called: Seizures. Identifiers: MedGen C0036572, HP:0001250.

Submissions (2):

Diagnostic Laboratory, Strasbourg University Hospital
Classification: Likely pathogenic for Seizure. Review status: no assertion criteria provided. Collection method: clinical testing. Allele origin: de novo. Affected: yes. Observed: 1 heterozygote.

GeneReviews
No classification provided. Condition: Developmental and epileptic encephalopathy, 7. Review status: no classification provided. Collection method: literature only. Allele origin: germline. Affected: yes. Not counted in ClinVar's aggregate classification.
Comment: EE (epileptic encephalopathy)

Literature cited by the submitters: PubMed 23692823 (cited by GeneReviews); NCBI Bookshelf NBK32534 (cited by GeneReviews).

NM_172107.4(KCNQ2):c.886A>C (p.Thr296Pro)

Gene: KCNQ2 (potassium voltage-gated channel subfamily Q member 2; minus strand). Cytogenetic location: 20q13.33.
Variant type: single nucleotide variant.
Coding change: c.886A>C on transcript NM_172107.4 (MANE Select); coding-DNA position 886, A replaced by C.
Protein change: p.Thr296Pro; replaces threonine 296 with proline.
Molecular consequence: missense variant.
Genome position (GRCh38, 1-based): chr20:63,439,639, T>G on the plus strand (A>C on the coding strand, the complement: KCNQ2 is on the minus strand). VCF-style: chr20-63439639-T-G. GRCh37 (hg19) VCF-style: chr20-62070992-T-G.
Other names: c.886A>C, p.Thr296Pro (NM_004518.6, NM_172106.3, NM_172108.5 and 1 more transcripts); short protein forms T296P.
Identifiers: ClinVar variation 369769 (VCV000369769.3), dbSNP rs756921902, ClinGen allele CA10654810.
Genomic context (GRCh38, chr20:63,439,639, plus strand): 5'-CAGGGGCAGCTGGACTTACTGCAGGCAGCGCGAAGAAGGAGACACCGATGAGGGTGAAGG[T>G]TGCCGCAAGGAGCCTGCCGTTCCAGGTCTGGGGGTACTTGTCCCCGTAGCCAATGGTGGT-3'
Protein context (NP_742105.1, residues 286-306): QTWNGRLLAA[Thr296Pro]FTLIGVSFFA